The following is an entry in ClinVar:

ClinVar aggregate classification (germline): Uncertain significance (1 of 4 stars; one submission).

Conditions:
ABCB4-related disorder. Also called: ABCB4-related disorders; ABCB4-related condition.

gnomAD v4.1: 4 of 1,613,940 alleles (0.00025%); highest among the groups gnomAD compares: Admixed American, 0.0033%; no homozygotes.

Submission:

PreventionGenetics, part of Exact Sciences
Classification: Uncertain significance for ABCB4-related condition. Last evaluated: 2026-08-09. Review status: criteria provided, single submitter. Criteria: ACMG Guidelines, 2015. Collection method: clinical testing. Allele origin: germline.
Comment: The ABCB4 c.3374G>A variant is predicted to result in the amino acid substitution p.Ser1125Asn. To our knowledge, this variant has not been reported in the literature. This variant is reported in 0.0029% of alleles in individuals of Latino descent in gnomAD. At this time, the clinical significance of this variant is uncertain due to the absence of conclusive functional and genetic evidence.

NM_000443.4(ABCB4):c.3374G>A (p.Ser1125Asn)

Gene: ABCB4 (ATP binding cassette subfamily B member 4; minus strand). Cytogenetic location: 7q21.12.
Variant type: single nucleotide variant.
Coding change: c.3374G>A on transcript NM_000443.4 (MANE Select); coding-DNA position 3374, G replaced by A.
Protein change: p.Ser1125Asn; replaces serine 1125 with asparagine.
Molecular consequence: missense variant.
Genome position (GRCh38, 1-based): chr7:87,406,400, C>T on the plus strand (G>A on the coding strand, the complement: ABCB4 is on the minus strand). VCF-style: chr7-87406400-C-T. GRCh37 (hg19) VCF-style: chr7-87035716-C-T.
Other names: c.3395G>A, p.Ser1132Asn (NM_018849.3); c.3233G>A, p.Ser1078Asn (NM_018850.3); short protein forms S1125N, S1078N, S1132N.
Identifiers: ClinVar variation 4983468 (VCV004983468.1).